The following is an entry in ClinVar:

ClinVar aggregate classification (germline): Uncertain significance (1 of 4 stars; one submission).

Conditions:
Werner syndrome (WRN). Identifiers: Orphanet 902, MedGen C0043119, MONDO:0010196, OMIM 277700.

Submission:

Labcorp Genetics (formerly Invitae), Labcorp
Classification: Uncertain significance for Werner syndrome. Last evaluated: 2020-02-11. Review status: criteria provided, single submitter. Criteria: Invitae Variant Classification Sherloc (09022015). Collection method: clinical testing. Allele origin: germline.
Comment: This sequence change replaces asparagine with lysine at codon 1181 of the WRN protein (p.Asn1181Lys). The asparagine residue is highly conserved and there is a moderate physicochemical difference between asparagine and lysine. This variant is not present in population databases (ExAC no frequency). This variant has not been reported in the literature in individuals with WRN-related conditions. Algorithms developed to predict the effect of missense changes on protein structure and function are either unavailable or do not agree on the potential impact of this missense change (SIFT: "Not Available"; PolyPhen-2: "Probably Damaging"; Align-GVGD: "Not Available"). In summary, the available evidence is currently insufficient to determine the role of this variant in disease. Therefore, it has been classified as a Variant of Uncertain Significance.

NM_000553.6(WRN):c.3543C>A (p.Asn1181Lys)

Gene: WRN (WRN RecQ like helicase; plus strand). Cytogenetic location: 8p12.
Variant type: single nucleotide variant.
Coding change: c.3543C>A on transcript NM_000553.6 (MANE Select); coding-DNA position 3543, C replaced by A.
Protein change: p.Asn1181Lys; replaces asparagine 1181 with lysine.
Molecular consequence: missense variant.
Genome position (GRCh38, 1-based): chr8:31,147,447, C>A. VCF-style: chr8-31147447-C-A. GRCh37 (hg19) VCF-style: chr8-31004963-C-A.
Other names: short protein forms N1181K.
Identifiers: ClinVar variation 1057443 (VCV001057443.3), dbSNP rs930514920, ClinGen allele CA370926019.